The following is an entry in ClinVar:

ClinVar aggregate classification (germline): Pathogenic (1 of 4 stars; one submission).

Conditions:
Sotos syndrome (SOTOS). Also called: CEREBRAL GIGANTISM; Sotos' syndrome; Distinctive facial appearance, overgrowth in childhood, and learning disabilities or delayed development; CHROMOSOME 5q35 DELETION SYNDROME; SOTOS SYNDROME 1. Identifiers: Orphanet 821, MedGen C0175695, MONDO:0019349, OMIM 117550.

Submission:

Victorian Clinical Genetics Services, Murdoch Childrens Research Institute
Classification: Pathogenic. Last evaluated: 2022-02-02. Review status: criteria provided, single submitter. Criteria: ACMG Guidelines, 2015. Collection method: clinical testing. Allele origin: germline. Inheritance: Autosomal dominant inheritance.
Comment: Based on the classification scheme VCGS_Germline_v1.3.4, this variant is classified as Pathogenic. Following criteria are met: 0102 - Loss of function is a known mechanism of disease in this gene and is associated with Sotos syndrome 1 (MIM#117550) (PMID: 20018718). (I) 0107 - This gene is associated with autosomal dominant disease. (I) 0201 - Variant is predicted to cause nonsense-mediated decay (NMD) and loss of protein (premature termination codon is located at least 54 nucleotides upstream of the final exon-exon junction). (SP) 0251 - This variant is heterozygous. (I) 0301 - Variant is absent from gnomAD (both v2 and v3). (SP) 0701 - Other NMD predicted variants comparable to the one identified in this case have very strong previous evidence for pathogenicity (DECIPHER). (SP) 0807 - This variant has no previous evidence of pathogenicity. (I) 0905 - No published segregation evidence has been identified for this variant. (I) 1007 - No published functional evidence has been identified for this variant. (SP) Legend: (SP) - Supporting pathogenic, (I) - Information, (SB) - Supporting benign

Literature cited by the submitters: PubMed 20018718.

NM_022455.5(NSD1):c.2948dup (p.Gly983_Asp984insTer)

Gene: NSD1 (nuclear receptor binding SET domain protein 1; plus strand). Cytogenetic location: 5q35.3.
Variant type: Duplication.
Coding change: c.2948dup on transcript NM_022455.5 (MANE Select); coding-DNA position 2948, one base duplicated (G; older notation c.2948dupG).
Protein change: p.Gly983_Asp984insTer.
Molecular consequence: frameshift variant. On other transcripts: nonsense (12).
Genome position (GRCh38, 1-based): chr5:177,211,347, G duplicated; the last of 5 consecutive G bases (chr5:177,211,343-177,211,347); duplicating any one gives the same sequence. VCF-style (leftmost placement, unchanged base first): chr5-177211342-T-TG. GRCh37 (hg19) VCF-style: chr5-176638343-T-TG.
Other names: c.2075dup, p.Asp693Terfs (NM_001365684.2, NM_001409306.1, NM_001409307.1 and 3 more transcripts); c.2948dup, p.Asp984Terfs (NM_001409301.1, NM_001409302.1, NM_001409303.1); c.2528dup, p.Asp844Terfs (NM_001409304.1); c.2195dup, p.Asp733Terfs (NM_001409305.1); c.2948dupG (NM_022455.4).
Identifiers: ClinVar variation 1699475 (VCV001699475.3), dbSNP rs2149846650, ClinGen allele CA2573131742.